The following is an entry in ClinVar:

ClinVar aggregate classification (germline): Likely benign (0 of 4 stars; one submission).

Conditions:
MDN1-related disorder. Also called: MDN1-related condition.

Allele frequency attached by ClinVar (database versions not stated): ExAC 0.00121; 1000 Genomes Project 0.00140; 1000 Genomes Project 30x 0.00156; gnomAD 0.00157; TOPMed 0.00189; ESP Exome Variant Server 0.00238; gnomAD exomes 0.00249.
gnomAD v4.1: 3,867 of 1,614,180 alleles (0.24%); highest among the groups gnomAD compares: Non-Finnish European, 0.29%; 2 homozygotes.

Submission:

PreventionGenetics, part of Exact Sciences
Classification: Likely benign for MDN1-related condition. Last evaluated: 2019-06-12. Review status: no assertion criteria provided. Collection method: clinical testing. Allele origin: germline.
Comment: This variant is classified as likely benign based on ACMG/AMP sequence variant interpretation guidelines (Richards et al. 2015 PMID: 25741868, with internal and published modifications).

NM_014611.3(MDN1):c.10813G>A (p.Glu3605Lys)

Gene: MDN1 (midasin AAA ATPase 1; minus strand). Cytogenetic location: 6q15.
Variant type: single nucleotide variant.
Coding change: c.10813G>A on transcript NM_014611.3 (MANE Select); coding-DNA position 10813, G replaced by A.
Protein change: p.Glu3605Lys; replaces glutamic acid 3605 with lysine.
Molecular consequence: missense variant.
Genome position (GRCh38, 1-based): chr6:89,690,080, C>T on the plus strand (G>A on the coding strand, the complement: MDN1 is on the minus strand). VCF-style: chr6-89690080-C-T. GRCh37 (hg19) VCF-style: chr6-90399799-C-T.
Other names: short protein forms E3605K.
Identifiers: ClinVar variation 3034502 (VCV003034502.2), dbSNP rs140978553, ClinGen allele CA3923497.